The following is an entry in ClinVar:

NM_000273.3(GPR143):c.353G>A (p.Gly118Glu)

Gene: GPR143 (G protein-coupled receptor 143; minus strand). Cytogenetic location: Xp22.2.
Variant type: single nucleotide variant.
Coding change: c.353G>A on transcript NM_000273.3 (MANE Select); coding-DNA position 353, G replaced by A.
Protein change: p.Gly118Glu; replaces glycine 118 with glutamic acid.
Molecular consequence: missense variant.
Genome position (GRCh38, 1-based): chrX:9,760,724, C>T on the plus strand (G>A on the coding strand, the complement: GPR143 is on the minus strand). VCF-style: chrX-9760724-C-T. GRCh37 (hg19) VCF-style: chrX-9728764-C-T.
Other names: short protein forms G118E.
Identifiers: ClinVar variation 98628 (VCV000098628.5), dbSNP rs62635031, ClinGen allele CA226175.

ClinVar aggregate classification (germline): Likely pathogenic. Review status: criteria provided, multiple submitters, no conflicts (2 of 4 stars). 3 submissions from 3 submitters: Likely pathogenic (2). 1 of the submissions does not count toward it. Last evaluated 2025-11-02.

Conditions:
GPR143-related disorders.

gnomAD v4.1: 1 of 1,156,542 alleles (0.000086%); highest among the groups gnomAD compares: Non-Finnish European, 0.00012%; no homozygotes.

Submissions (3):

Labcorp Genetics (formerly Invitae), Labcorp
Classification: Likely pathogenic. Last evaluated: 2025-11-02. Review status: criteria provided, single submitter. Criteria: Invitae Variant Classification Sherloc (09022015). Collection method: clinical testing. Allele origin: germline.
Comment: This sequence change replaces glycine, which is neutral and non-polar, with glutamic acid, which is acidic and polar, at codon 118 of the GPR143 protein (p.Gly118Glu). This variant is not present in population databases (gnomAD no frequency). This missense change has been observed in individuals with oculocutaneous albinism (PMID: 9529334, 28339057). ClinVar contains an entry for this variant (Variation ID: 98628). Invitae Evidence Modeling of protein sequence and biophysical properties (such as structural, functional, and spatial information, amino acid conservation, physicochemical variation, residue mobility, and thermodynamic stability) indicates that this missense variant is expected to disrupt GPR143 protein function with a positive predictive value of 95%. Experimental studies have shown that this missense change affects GPR143 function (PMID: 11115845). This variant disrupts the p.Gly118 amino acid residue in GPR143. Other variant(s) that disrupt this residue have been observed in individuals with GPR143-related conditions (PMID: 9529334, 28339057, 29345414), which suggests that this may be a clinically significant amino acid residue. In summary, the currently available evidence indicates that the variant is pathogenic, but additional data are needed to prove that conclusively. Therefore, this variant has been classified as Likely Pathogenic.

Blueprint Genetics
Classification: Likely pathogenic for GPR143-related disorders. Last evaluated: 2023-11-24. Review status: criteria provided, single submitter. Criteria: ACMG Guidelines, 2015. Collection method: clinical testing. Allele origin: germline. Affected: yes. Observed: 1 variant allele.

Retina International
No classification provided. Review status: no classification provided. Collection method: not provided. Allele origin: not provided. Not counted in ClinVar's aggregate classification.

Literature cited by the submitters: PubMed 9529334 (cited by Labcorp Genetics (formerly Invitae), Labcorp); PubMed 28339057 (cited by Labcorp Genetics (formerly Invitae), Labcorp); PubMed 11115845 (cited by Labcorp Genetics (formerly Invitae), Labcorp); PubMed 29345414 (cited by Labcorp Genetics (formerly Invitae), Labcorp).